The following is an entry in ClinVar:

NM_001164508.2(NEB):c.9723+4G>A

Gene: NEB (nebulin; minus strand). Cytogenetic location: 2q23.3.
Variant type: single nucleotide variant.
Coding change: c.9723+4G>A on transcript NM_001164508.2 (MANE Select); 4 bases into the intron after coding-DNA position 9723, G replaced by A.
Molecular consequence: intron variant.
Genome position (GRCh38, 1-based): chr2:151,630,711, C>T on the plus strand (G>A on the coding strand, the complement: NEB is on the minus strand). VCF-style: chr2-151630711-C-T. GRCh37 (hg19) VCF-style: chr2-152487225-C-T.
Other names: c.8994+4G>A (NM_004543.5); c.9723+4G>A (NM_001164507.2, NM_001271208.2).
Identifiers: ClinVar variation 940682 (VCV000940682.4), dbSNP rs577635321, ClinGen allele CA1909236.
Genomic context (GRCh38, chr2:151,630,711, plus strand): 5'-ATCTCCACAAAACTAAGTATAGACACCACCACCACAATATAGCACCACAGATTTTTGCTC[C>T]TACCTCACTGTAGTTGATTTTGTTCTGCCTTGCCAACATAATCTCTGGTGTATCAGGCAT-3'

ClinVar aggregate classification (germline): Uncertain significance (1 of 4 stars; one submission).

Conditions:
Nemaline myopathy 2 (NEM2). Also called: Nemaline myopathy 2, autosomal recessive. Identifiers: MedGen C1850569, MONDO:0009725, OMIM 256030.

Allele frequency attached by ClinVar (database versions not stated): gnomAD exomes below 0.00001; gnomAD 0.00001; ExAC 0.00002; 1000 Genomes Project 30x 0.00016; 1000 Genomes Project 0.00020.
gnomAD v4.1: 5 of 1,597,906 alleles (0.00031%); highest among the groups gnomAD compares: Admixed American, 0.0034%; no homozygotes.

Submission:

Labcorp Genetics (formerly Invitae), Labcorp
Classification: Uncertain significance for Nemaline myopathy 2. Last evaluated: 2019-08-30. Review status: criteria provided, single submitter. Criteria: Invitae Variant Classification Sherloc (09022015). Collection method: clinical testing. Allele origin: germline.
Comment: This sequence change falls in intron 67 of the NEB gene. It does not directly change the encoded amino acid sequence of the NEB protein, but it affects a nucleotide within the consensus splice site of the intron. This variant is present in population databases (rs577635321, ExAC 0.04%). This variant has not been reported in the literature in individuals with NEB-related conditions. Nucleotide substitutions within the consensus splice site are a relatively common cause of aberrant splicing (PMID: 17576681, 9536098). Algorithms developed to predict the effect of sequence changes on RNA splicing suggest that this variant is not likely to affect RNA splicing, but this prediction has not been confirmed by published transcriptional studies. In summary, the available evidence is currently insufficient to determine the role of this variant in disease. Therefore, it has been classified as a Variant of Uncertain Significance.

Literature cited by the submitters: PubMed 17576681; PubMed 9536098.